The following is an entry in ClinVar:

ClinVar aggregate classification (germline): Uncertain significance. Review status: criteria provided, multiple submitters, no conflicts (2 of 4 stars). 8 submissions from 8 submitters: Uncertain significance (7). 1 of the submissions does not count toward it. Last evaluated 2025-12-08.

Conditions:
Hereditary cancer-predisposing syndrome. Also called: Neoplastic Syndromes, Hereditary; Hereditary neoplastic syndrome; Tumor predisposition; Hereditary Cancer Syndrome. Identifiers: Orphanet 140162, MedGen C0027672, MeSH D009386, MONDO:0015356.
Ataxia-telangiectasia syndrome (AT). Also called: Ataxia telangiectasia (A-T); Cerebello-oculocutaneous telangiectasia; Immunodeficiency with ataxia telangiectasia; LOUIS-BAR SYNDROME; AT, COMPLEMENTATION GROUP C; ATAXIA-TELANGIECTASIA, FRESNO VARIANT. Identifiers: Orphanet 100, MedGen C0004135, MONDO:0008840, OMIM 208900.
Familial cancer of breast. Also called: hereditary breast carcinoma; Hereditary breast cancer; BREAST CANCER, FAMILIAL. Identifiers: Orphanet 227535, MedGen C0346153, MONDO:0016419, OMIM 114480. Disease mechanism: loss of function.

Allele frequency attached by ClinVar (database versions not stated): gnomAD exomes below 0.00001.
gnomAD v4.1: 5 of 1,613,466 alleles (0.00031%); highest among the groups gnomAD compares: African/African-American, 0.0013%; no homozygotes.

Submissions (8):

Labcorp Genetics (formerly Invitae), Labcorp
Classification: Uncertain significance for Ataxia-telangiectasia syndrome. Last evaluated: 2025-12-08. Review status: criteria provided, single submitter. Criteria: Invitae Variant Classification Sherloc (09022015). Collection method: clinical testing. Allele origin: germline.
Comment: This sequence change replaces arginine, which is basic and polar, with histidine, which is basic and polar, at codon 2227 of the ATM protein (p.Arg2227His). This variant is present in population databases (no rsID available, gnomAD 0.0009%). This missense change has been observed in individual(s) with breast cancer, kidney cancer (PMID: 31780696, 35534704). ClinVar contains an entry for this variant (Variation ID: 246165). Invitae Evidence Modeling of protein sequence and biophysical properties (such as structural, functional, and spatial information, amino acid conservation, physicochemical variation, residue mobility, and thermodynamic stability) indicates that this missense variant is expected to disrupt ATM protein function with a positive predictive value of 80%. This variant disrupts the p.Arg2227 amino acid residue in ATM. Other variant(s) that disrupt this residue have been determined to be pathogenic (PMID: 12552559, 15843990, 16380133, 18504682, 19691550, 22213089, 23264026, 23640770). This suggests that this residue is clinically significant, and that variants that disrupt this residue are likely to be disease-causing. In summary, the available evidence is currently insufficient to determine the role of this variant in disease. Therefore, it has been classified as a Variant of Uncertain Significance.

Ambry Genetics
Classification: Uncertain significance for Hereditary cancer-predisposing syndrome. Last evaluated: 2025-01-14. Review status: criteria provided, single submitter. Criteria: Ambry Variant Classification Scheme 2023. Collection method: clinical testing. Allele origin: germline.
Comment: The p.R2227H variant (also known as c.6680G>A), located in coding exon 45 of the ATM gene, results from a G to A substitution at nucleotide position 6680. The arginine at codon 2227 is replaced by histidine, an amino acid with highly similar properties. This alteration was identified in a cohort of breast cancer patients from Puerto Rico (Dutil J et al. Sci Rep, 2019 11;9:17769). This amino acid position is highly conserved in available vertebrate species. In addition, this alteration is predicted to be deleterious by in silico analysis. Based on the available evidence, the clinical significance of this variant remains unclear.

Baylor Genetics
Classification: Uncertain significance for Familial cancer of breast. Last evaluated: 2024-03-18. Review status: criteria provided, single submitter. Criteria: ACMG Guidelines, 2015. Collection method: clinical testing. Allele origin: unknown.

Color Diagnostics, LLC DBA Color Health
Classification: Uncertain significance for Hereditary cancer-predisposing syndrome. Last evaluated: 2024-01-16. Review status: criteria provided, single submitter. Criteria: ACMG Guidelines, 2015. Collection method: clinical testing. Allele origin: germline.
Comment: This missense variant replaces arginine with histidine at codon 2227 of the ATM protein. Computational prediction suggests that this variant may have deleterious impact on protein structure and function. To our knowledge, functional studies have not been reported for this variant. This variant has been reported in an individual affected with breast cancer (PMID: 31780696). This variant has been identified in 1/251146 chromosomes in the general population by the Genome Aggregation Database (gnomAD). A different variant affecting the same position (p.Arg2227Cys) is considered to be disease-causing (ClinVar variation ID: 33611), suggesting that arginine at this position is important for protein structure and function. The available evidence is insufficient to determine the role of this variant in disease conclusively. Therefore, this variant is classified as a Variant of Uncertain Significance.

Sema4
Classification: Uncertain significance for Hereditary cancer-predisposing syndrome. Last evaluated: 2021-07-13. Review status: criteria provided, single submitter. Criteria: Sema4 Curation Guidelines. Collection method: curation. Allele origin: germline.
Comment: The ATM c.6680G>A (p.R2227H) variant has been reported in at least one individual with breast cancer (PMID: 31780696). It was observed in 1/113542 chromosomes of the Non-Finnish European subpopulation in the large and broad cohorts of the Genome Aggregation Database (PMID: 32461654). This variant has been reported in ClinVar (Variation ID 246165). In silico tools suggest the impact of the variant on protein function is deleterious, though these predictions have not been confirmed by functional studies. The evidence is insufficient to meet ACMG/AMP criteria for classifying the variant as benign or pathogenic. Thus, the clinical significance of this variant is currently uncertain.

Revvity Omics, Revvity
Classification: Uncertain significance for Ataxia-telangiectasia syndrome. Last evaluated: 2020-02-13. Review status: criteria provided, single submitter. Criteria: ACMG Guidelines, 2015. Collection method: clinical testing. Allele origin: germline.

GeneDx
Classification: Uncertain significance. Last evaluated: 2020-01-13. Review status: criteria provided, single submitter. Criteria: GeneDx Variant Classification Process June 2021. Collection method: clinical testing. Allele origin: germline. Affected: yes.
Comment: Not observed at a significant frequency in large population cohorts (Lek 2016); In silico analysis, which includes protein predictors and evolutionary conservation, supports a deleterious effect; Observed in an individual with breast cancer (Dutil 2019); This variant is associated with the following publications: (PMID: 31780696, 12552559, 15843990, 16380133, 18504682, 19691550, 23264026, 23640770, 22213089)

Natera, Inc.
Classification: Uncertain significance for Ataxia-telangiectasia. Last evaluated: 2020-09-16. Review status: no assertion criteria provided. Collection method: clinical testing. Allele origin: germline. Not counted in ClinVar's aggregate classification.

Literature cited by the submitters: PubMed 31780696 (cited by 4 submitters); PubMed 35534704 (cited by Labcorp Genetics (formerly Invitae), Labcorp); PubMed 12552559 (cited by Labcorp Genetics (formerly Invitae), Labcorp); PubMed 15843990 (cited by Labcorp Genetics (formerly Invitae), Labcorp); PubMed 16380133 (cited by Labcorp Genetics (formerly Invitae), Labcorp); PubMed 18504682 (cited by Labcorp Genetics (formerly Invitae), Labcorp); PubMed 19691550 (cited by Labcorp Genetics (formerly Invitae), Labcorp); PubMed 22213089 (cited by Labcorp Genetics (formerly Invitae), Labcorp); PubMed 23264026 (cited by Labcorp Genetics (formerly Invitae), Labcorp); PubMed 23640770 (cited by Labcorp Genetics (formerly Invitae), Labcorp).

NM_000051.4(ATM):c.6680G>A (p.Arg2227His)

Genes: ATM (ATM serine/threonine kinase; plus strand), C11orf65 (chromosome 11 open reading frame 65; minus strand). Cytogenetic location: 11q22.3.
Variant type: single nucleotide variant.
Coding change: c.6680G>A on transcript NM_000051.4 (MANE Select); coding-DNA position 6680, G replaced by A.
Protein change: p.Arg2227His; replaces arginine 2227 with histidine.
Molecular consequence: missense variant. On other transcripts: intron variant (2).
Genome position (GRCh38, 1-based): chr11:108,325,417, G>A. VCF-style: chr11-108325417-G-A. GRCh37 (hg19) VCF-style: chr11-108196144-G-A.
Other names: c.6680G>A, p.Arg2227His (NM_001351834.2); c.641-16346C>T (NM_001330368.2); c.*38+9803C>T (NM_001351110.2); short protein forms R2227H.
Identifiers: ClinVar variation 246165 (VCV000246165.30), dbSNP rs879254132, ClinGen allele CA10584359.